The following is an entry in ClinVar:

ClinVar aggregate classification (germline): Uncertain significance (1 of 4 stars; one submission).

Conditions:
Cardiovascular phenotype. Identifiers: MedGen CN230736.

Allele frequency attached by ClinVar (database versions not stated): gnomAD exomes below 0.00001.
gnomAD v4.1: 1 of 1,614,228 alleles (0.000062%); highest among the groups gnomAD compares: East Asian, 0.0022%; no homozygotes.

Submission:

Ambry Genetics
Classification: Uncertain significance for Cardiovascular phenotype. Last evaluated: 2022-11-04. Review status: criteria provided, single submitter. Criteria: Ambry Variant Classification Scheme 2023. Collection method: clinical testing. Allele origin: germline.
Comment: The p.K544R variant (also known as c.1631A>G), located in coding exon 12 of the VCL gene, results from an A to G substitution at nucleotide position 1631. The lysine at codon 544 is replaced by arginine, an amino acid with highly similar properties. This amino acid position is conserved. In addition, the in silico prediction for this alteration is inconclusive. Since supporting evidence is limited at this time, the clinical significance of this alteration remains unclear.

NM_014000.3(VCL):c.1631A>G (p.Lys544Arg)

Gene: VCL (vinculin; plus strand). Cytogenetic location: 10q22.2.
Variant type: single nucleotide variant.
Coding change: c.1631A>G on transcript NM_014000.3 (MANE Select); coding-DNA position 1631, A replaced by G.
Protein change: p.Lys544Arg; replaces lysine 544 with arginine.
Molecular consequence: missense variant.
Genome position (GRCh38, 1-based): chr10:74,095,743, A>G. VCF-style: chr10-74095743-A-G. GRCh37 (hg19) VCF-style: chr10-75855501-A-G.
Other names: c.1631A>G, p.Lys544Arg (NM_003373.4); short protein forms K544R.
Identifiers: ClinVar variation 3226288 (VCV003226288.1), dbSNP rs2131916321, ClinGen allele CA377274680.